The following is an entry in ClinVar:

NM_152513.4(MEI1):c.3145A>G (p.Lys1049Glu)

Gene: MEI1 (meiotic double-stranded break formation protein 1; plus strand). Cytogenetic location: 22q13.2.
Variant type: single nucleotide variant.
Coding change: c.3145A>G on transcript NM_152513.4 (MANE Select); coding-DNA position 3145, A replaced by G.
Protein change: p.Lys1049Glu; replaces lysine 1049 with glutamic acid.
Molecular consequence: missense variant.
Genome position (GRCh38, 1-based): chr22:41,784,396, A>G. VCF-style: chr22-41784396-A-G. GRCh37 (hg19) VCF-style: chr22-42180400-A-G.
Other names: NC_000022.10:g.42180400A>G; short protein forms K1049E.
Identifiers: ClinVar variation 3052469 (VCV003052469.3), dbSNP rs12484839, ClinGen allele CA10260763.

ClinVar aggregate classification (germline): Likely benign (0 of 4 stars; one submission).

Conditions:
MEI1-related disorder. Also called: MEI1-related condition.

Allele frequency attached by ClinVar (database versions not stated): gnomAD 0.00069; 1000 Genomes Project 0.00080; gnomAD exomes 0.00098; 1000 Genomes Project 30x 0.00125; TOPMed 0.00229; ExAC 0.00400.
gnomAD v4.1: 1,497 of 1,613,980 alleles (0.093%); highest among the groups gnomAD compares: Admixed American, 2.5%; 41 homozygotes.

Submissions (2):

PreventionGenetics, part of Exact Sciences
Classification: Likely benign for MEI1-related condition. Last evaluated: 2019-02-25. Review status: no assertion criteria provided. Collection method: clinical testing. Allele origin: germline.
Comment: This variant is classified as likely benign based on ACMG/AMP sequence variant interpretation guidelines (Richards et al. 2015 PMID: 25741868, with internal and published modifications).

Dr. Peter K. Rogan Lab, Western University
No classification provided (evidence only). Condition: Malignant tumor of esophagus. Review status: no classification provided. Collection method: in vitro. Allele origin: not applicable. Functional consequence: retained intron. Not counted in ClinVar's aggregate classification.